The following is an entry in ClinVar:

NM_020297.4(ABCC9):c.1012-14del

Gene: ABCC9 (ATP binding cassette subfamily C member 9; minus strand). Cytogenetic location: 12p12.1.
Variant type: Deletion.
Coding change: c.1012-14del on transcript NM_020297.4 (MANE Select); 14 bases into the intron before coding-DNA position 1012, one base deleted (T; older notation c.1012-14delT).
Molecular consequence: intron variant.
Genome position (GRCh38, 1-based): chr12:21,910,992, A deleted on the plus strand (T on the coding strand, the reverse complement: ABCC9 is on the minus strand); the first of 7 consecutive A bases (chr12:21,910,992-21,910,998); deleting any one gives the same sequence. VCF-style (leftmost placement, unchanged base first): chr12-21910991-GA-G. GRCh37 (hg19) VCF-style: chr12-22063925-GA-G.
Other names: c.148-14del (NM_001377274.1); c.1012-14del (NM_005691.4, NM_001377273.1).
Identifiers: ClinVar variation 179757 (VCV000179757.12), dbSNP rs727505105, ClinGen allele CA185079.

ClinVar aggregate classification (germline): Likely benign. Review status: criteria provided, multiple submitters, no conflicts (2 of 4 stars). 3 submissions from 3 submitters: Likely benign (3). Last evaluated 2025-09-17.

Conditions:
Dilated cardiomyopathy 1O (CMD1O). Also called: CARDIOMYOPATHY, DILATED, WITH VENTRICULAR TACHYCARDIA. Identifiers: Orphanet 154, MedGen C1837839, MONDO:0012062, OMIM 608569.

Submissions (3):

Labcorp Genetics (formerly Invitae), Labcorp
Classification: Likely benign for Dilated cardiomyopathy 1O. Last evaluated: 2025-09-17. Review status: criteria provided, single submitter. Criteria: Invitae Variant Classification Sherloc (09022015). Collection method: clinical testing. Allele origin: germline.

Blueprint Genetics
Classification: Likely benign. Last evaluated: 2024-06-12. Review status: criteria provided, single submitter. Criteria: ACMG Guidelines, 2015. Collection method: clinical testing. Allele origin: germline.

Laboratory for Molecular Medicine, Mass General Brigham Personalized Medicine
Classification: Likely benign. Last evaluated: 2014-06-05. Review status: criteria provided, single submitter. Criteria: LMM Criteria. Collection method: clinical testing. Allele origin: germline. Observed: 1 variant allele.
Comment: 1012-14delT in exon 7 of ABCC9: This variant is not expected to have clinical si gnificance because it does not alter region of interest.